The following is an entry in ClinVar:

ClinVar aggregate classification (germline): Uncertain significance. Review status: criteria provided, multiple submitters, no conflicts (2 of 4 stars). 2 submissions from 2 submitters: Uncertain significance (2). Last evaluated 2023-10-27.

Conditions:
Inflammatory bowel disease 28. Also called: Inflammatory bowel disease 28, early onset, autosomal recessive. Identifiers: Orphanet 238569, MedGen C2751053, MONDO:0013153, OMIM 613148.

Allele frequency attached by ClinVar (database versions not stated): TOPMed below 0.00001; gnomAD 0.00001; gnomAD exomes 0.00001; 1000 Genomes Project 30x 0.00031.

Submissions (2):

Mayo Clinic Laboratories, Mayo Clinic
Classification: Uncertain significance. Last evaluated: 2023-10-27. Review status: criteria provided, single submitter. Criteria: ACMG Guidelines, 2015. Collection method: clinical testing. Allele origin: germline. Observed: 1 variant allele.
Comment: BP4, PM2

Labcorp Genetics (formerly Invitae), Labcorp
Classification: Uncertain significance for Inflammatory bowel disease 28. Last evaluated: 2022-12-31. Review status: criteria provided, single submitter. Criteria: Invitae Variant Classification Sherloc (09022015). Collection method: clinical testing. Allele origin: germline.
Comment: In summary, the available evidence is currently insufficient to determine the role of this variant in disease. Therefore, it has been classified as a Variant of Uncertain Significance. Advanced modeling of protein sequence and biophysical properties (such as structural, functional, and spatial information, amino acid conservation, physicochemical variation, residue mobility, and thermodynamic stability) performed at Invitae indicates that this missense variant is not expected to disrupt IL10RA protein function. ClinVar contains an entry for this variant (Variation ID: 1013800). This variant has not been reported in the literature in individuals affected with IL10RA-related conditions. This variant is present in population databases (no rsID available, gnomAD 0.002%). This sequence change replaces proline, which is neutral and non-polar, with leucine, which is neutral and non-polar, at codon 340 of the IL10RA protein (p.Pro340Leu).

NM_001558.4(IL10RA):c.1019C>T (p.Pro340Leu)

Gene: IL10RA (interleukin 10 receptor subunit alpha; plus strand). Cytogenetic location: 11q23.3.
Variant type: single nucleotide variant.
Coding change: c.1019C>T on transcript NM_001558.4 (MANE Select); coding-DNA position 1019, C replaced by T.
Protein change: p.Pro340Leu; replaces proline 340 with leucine.
Molecular consequence: missense variant. On other transcripts: non-coding transcript variant (1).
Genome position (GRCh38, 1-based): chr11:117,998,923, C>T. VCF-style: chr11-117998923-C-T. GRCh37 (hg19) VCF-style: chr11-117869638-C-T.
Other names: p.Pro340Leu; c.1019C>T (NM_001558.3); short protein forms P340L.
Identifiers: ClinVar variation 1013800 (VCV001013800.8), dbSNP rs969779145, ClinGen allele CA229448973.